The following is an entry in ClinVar:

NM_014795.4(ZEB2):c.190A>C (p.Ser64Arg)

Gene: ZEB2 (zinc finger E-box binding homeobox 2; minus strand). Cytogenetic location: 2q22.3.
Variant type: single nucleotide variant.
Coding change: c.190A>C on transcript NM_014795.4 (MANE Select); coding-DNA position 190, A replaced by C.
Protein change: p.Ser64Arg; replaces serine 64 with arginine.
Molecular consequence: missense variant.
Genome position (GRCh38, 1-based): chr2:144,429,910, T>G on the plus strand (A>C on the coding strand, the complement: ZEB2 is on the minus strand). VCF-style: chr2-144429910-T-G. GRCh37 (hg19) VCF-style: chr2-145187477-T-G.
Other names: c.190A>C, p.Ser64Arg (NM_001171653.2); short protein forms S64R.
Identifiers: ClinVar variation 2104349 (VCV002104349.4), dbSNP rs2549120682, ClinGen allele CA348718874.
Genomic context (GRCh38, chr2:144,429,910, plus strand): 5'-CTTCCTCTCTTGGCAACAGAGCTTGGCTCACGTGTGGGGAGGACTCATGGTTGGGCACAC[T>G]AGCTGGACTCGTCTCCTGGTCCAGAGGGTTGGCAATACCGTCATCCTCAGCAATATGAAG-3'
Protein context (NP_055610.1, residues 54-74): NPLDQETSPA[Ser64Arg]VPNHESSPHV

ClinVar aggregate classification (germline): Uncertain significance (1 of 4 stars; one submission).

Conditions:
Mowat-Wilson syndrome (MOWS). Also called: Classic Mowat-Wilson Syndrome. Identifiers: Orphanet 2152, MedGen C1856113, MONDO:0009341, OMIM 235730.

Submission:

Labcorp Genetics (formerly Invitae), Labcorp
Classification: Uncertain significance for Mowat-Wilson syndrome. Last evaluated: 2022-02-28. Review status: criteria provided, single submitter. Criteria: Invitae Variant Classification Sherloc (09022015). Collection method: clinical testing. Allele origin: germline.
Comment: This variant has not been reported in the literature in individuals affected with ZEB2-related conditions. This variant is not present in population databases (gnomAD no frequency). This sequence change replaces serine, which is neutral and polar, with arginine, which is basic and polar, at codon 64 of the ZEB2 protein (p.Ser64Arg). In summary, the available evidence is currently insufficient to determine the role of this variant in disease. Therefore, it has been classified as a Variant of Uncertain Significance. Algorithms developed to predict the effect of missense changes on protein structure and function are either unavailable or do not agree on the potential impact of this missense change (SIFT: "Deleterious"; PolyPhen-2: "Benign"; Align-GVGD: "Class C0").